The following is an entry in ClinVar:

NM_004360.5(CDH1):c.946A>G (p.Met316Val)

Gene: CDH1 (cadherin 1; plus strand). Cytogenetic location: 16q22.1.
Variant type: single nucleotide variant.
Coding change: c.946A>G on transcript NM_004360.5 (MANE Select); coding-DNA position 946, A replaced by G.
Protein change: p.Met316Val; replaces methionine 316 with valine.
Molecular consequence: missense variant. On other transcripts: 5 prime UTR variant (2).
Genome position (GRCh38, 1-based): chr16:68,811,797, A>G. VCF-style: chr16-68811797-A-G. GRCh37 (hg19) VCF-style: chr16-68845700-A-G.
Other names: c.946A>G (LRG_301t1); c.946A>G, p.Met316Val (NM_001317184.2); c.-670A>G (NM_001317185.2); c.-874A>G (NM_001317186.2); short protein forms M316V.
Identifiers: ClinVar variation 463796 (VCV000463796.25), dbSNP rs761182866, ClinGen allele CA8129956.
Genomic context (GRCh38, chr16:68,811,797, plus strand): 5'-TACAATGCCGCCATCGCTTACACCATCCTCAGCCAAGATCCTGAGCTCCCTGACAAAAAT[A>G]TGTTCACCATTAACAGGAACACAGGAGTCATCAGTGTGGTCACCACTGGGCTGGACCGAG-3'
Protein context (NP_004351.1, residues 306-326): SQDPELPDKN[Met316Val]FTINRNTGVI

ClinVar aggregate classification (germline): Conflicting classifications of pathogenicity. Review status: criteria provided, conflicting classifications (1 of 4 stars). 7 submissions from 7 submitters: Uncertain significance (6); Likely benign (1). Last evaluated 2026-01-24.

Conditions:
Familial cancer of breast. Also called: BREAST CANCER, FAMILIAL; hereditary breast carcinoma; Hereditary breast cancer. Identifiers: Orphanet 227535, MedGen C0346153, MONDO:0016419, OMIM 114480. Disease mechanism: loss of function.
Blepharocheilodontic syndrome 1 (BCDS1). Identifiers: Orphanet 1997, MedGen C4551988, MONDO:0054740, OMIM 119580.
Hereditary diffuse gastric adenocarcinoma (HDGC). Also called: DIFFUSE GASTRIC AND LOBULAR BREAST CANCER SYNDROME. Identifiers: Orphanet 26106, MedGen C1708349, MONDO:0007648, OMIM 137215.
Endometrial carcinoma. Also called: Endometrial carcinoma, somatic. Identifiers: MedGen C0476089, MONDO:0002447, OMIM 608089, HP:0012114.
Ovarian cancer. Also called: OVARIAN CANCER, SOMATIC. Identifiers: Orphanet 213500, MedGen C1140680, MONDO:0008170, OMIM 167000.
Hereditary cancer-predisposing syndrome. Also called: Hereditary neoplastic syndrome; Neoplastic Syndromes, Hereditary; Tumor predisposition; Hereditary Cancer Syndrome. Identifiers: Orphanet 140162, MedGen C0027672, MeSH D009386, MONDO:0015356.

Allele frequency attached by ClinVar (database versions not stated): ExAC 0.00001; gnomAD exomes below 0.00001; TOPMed below 0.00001.
gnomAD v4.1: 6 of 1,614,180 alleles (0.00037%); highest among the groups gnomAD compares: Middle Eastern, 0.016%; no homozygotes.

Submissions (7):

Labcorp Genetics (formerly Invitae), Labcorp
Classification: Uncertain significance for Hereditary diffuse gastric adenocarcinoma. Last evaluated: 2026-01-24. Review status: criteria provided, single submitter. Criteria: Invitae Variant Classification Sherloc (09022015). Collection method: clinical testing. Allele origin: germline.
Comment: This sequence change replaces methionine, which is neutral and non-polar, with valine, which is neutral and non-polar, at codon 316 of the CDH1 protein (p.Met316Val). This variant is present in population databases (rs761182866, gnomAD 0.0009%). This variant has not been reported in the literature in individuals affected with CDH1-related conditions. ClinVar contains an entry for this variant (Variation ID: 463796). An algorithm developed to predict the effect of missense changes on protein structure and function (PolyPhen-2) suggests that this variant is likely to be disruptive. In summary, the available evidence is currently insufficient to determine the role of this variant in disease. Therefore, it has been classified as a Variant of Uncertain Significance.

KCCC/NGS Laboratory, Kuwait Cancer Control Center
Classification: Uncertain significance for Hereditary diffuse gastric adenocarcinoma. Last evaluated: 2025-03-09. Review status: criteria provided, single submitter. Criteria: ACMG Guidelines, 2015. Collection method: clinical testing. Allele origin: germline. Inheritance: Autosomal dominant inheritance. Affected: yes. Observed: 1 heterozygote.
Comment: This sequence change replaces methionine, which is neutral and non-polar, with valine, which is neutral and non-polar, at codon 316 of the CDH1 protein (p.Met316Val). This variant is present in population databases (rs761182866, gnomAD 0.0009%).This variant is associated with the following publications: (PMID: 15235021, 22850631). ClinVar contains an entry for this variant (Variation ID: 463796). In silico analysis supports that this missense variant has a deleterious effect on protein structure/function. In summary, the available evidence is currently insufficient to determine the role of this variant in disease. Therefore, it has been classified as a Variant of Uncertain Significance. Pathogenic/likely pathogenic variants in this CDH1 gene cause susceptibility to breast cancer (OMIM 114480).

Ambry Genetics
Classification: Likely benign for Hereditary cancer-predisposing syndrome. Last evaluated: 2024-11-13. Review status: criteria provided, single submitter. Criteria: Ambry Variant Classification Scheme 2023. Collection method: clinical testing. Allele origin: germline.

Fulgent Genetics
Classification: Uncertain significance for Familial cancer of breast; Blepharocheilodontic syndrome 1; Hereditary diffuse gastric adenocarcinoma; Ovarian cancer; Endometrial carcinoma. Last evaluated: 2024-06-11. Review status: criteria provided, single submitter. Criteria: ACMG Guidelines, 2015. Collection method: clinical testing. Allele origin: germline.

Color Diagnostics, LLC DBA Color Health
Classification: Uncertain significance for Hereditary cancer-predisposing syndrome. Last evaluated: 2023-12-04. Review status: criteria provided, single submitter. Criteria: ACMG Guidelines, 2015. Collection method: clinical testing. Allele origin: germline.
Comment: This missense variant replaces methionine with valine at codon 316 of the CDH1 protein. To our knowledge, functional studies have not been reported for this variant. This variant has not been reported in individuals affected with CDH1-related disorders in the literature. This variant has been identified in 1/251436 chromosomes in the general population by the Genome Aggregation Database (gnomAD). The available evidence is insufficient to determine the role of this variant in disease conclusively. Therefore, this variant is classified as a Variant of Uncertain Significance.

GeneDx
Classification: Uncertain significance. Last evaluated: 2023-10-02. Review status: criteria provided, single submitter. Criteria: GeneDx Variant Classification Process June 2021. Collection method: clinical testing. Allele origin: germline. Affected: yes.
Comment: Not observed at significant frequency in large population cohorts (gnomAD); In silico analysis supports that this missense variant has a deleterious effect on protein structure/function; Has not been previously published as pathogenic or benign to our knowledge; This variant is associated with the following publications: (PMID: 15235021, 22850631)

Women's Health and Genetics/Laboratory Corporation of America, LabCorp
Classification: Uncertain significance. Last evaluated: 2018-12-14. Review status: criteria provided, single submitter. Criteria: LabCorp Variant Classification Summary - May 2015. Collection method: clinical testing. Allele origin: germline.
Comment: Variant summary: CDH1 c.946A>G (p.Met316Val) results in a conservative amino acid change located in the Cadherin-like domain of the encoded protein sequence. Three of five in-silico tools predict a damaging effect of the variant on protein function. The variant allele was found at a frequency of 4.1e-06 in 246206 control chromosomes. The available data on variant occurrences in the general population are insufficient to allow any conclusion about variant significance. To our knowledge, no occurrence of c.946A>G in individuals affected with Hereditary Diffuse Gastric Cancer and no experimental evidence demonstrating its impact on protein function have been reported. Two clinical diagnostic laboratories have submitted clinical-significance assessments for this variant to ClinVar after 2014 without evidence for independent evaluation. All laboratories classified the variant as uncertain significance. Based on the evidence outlined above, the variant was classified as uncertain significance.